The following is an entry in ClinVar:

ClinVar aggregate classification (germline): Likely pathogenic (1 of 4 stars; one submission).

Submission:

GeneDx
Classification: Likely pathogenic. Last evaluated: 2026-03-05. Review status: criteria provided, single submitter. Criteria: GeneDx Variant Classification Process June 2021. Collection method: clinical testing. Allele origin: germline.
Comment: Frameshift variant predicted to result in protein truncation or nonsense mediated decay in a gene for which loss of function is a known mechanism of disease; Not observed at significant frequency in large population cohorts (gnomAD); Has not been previously published as pathogenic or benign to our knowledge

NM_014672.4(PRORP):c.151del (p.Met51fs)

Genes: PRORP (protein only RNase P catalytic subunit; plus strand), PRORP-PSMA6 (PRORP-PSMA6 readthrough; plus strand). Cytogenetic location: 14q13.2.
Variant type: Deletion.
Coding change: c.151del on transcript NM_014672.4 (MANE Select); coding-DNA position 151, one base deleted (A; older notation c.151delA).
Protein change: p.Met51fs; shifts the reading frame from methionine 51.
Molecular consequence: frameshift variant. On other transcripts: non-coding transcript variant (4), intron variant (3).
Genome position (GRCh38, 1-based): chr14:35,123,396, A deleted; the last of 2 consecutive A bases (chr14:35,123,395-35,123,396); deleting either gives the same sequence. VCF-style (leftmost placement, unchanged base first): chr14-35123394-CA-C. GRCh37 (hg19) VCF-style: chr14-35592600-CA-C.
Other names: c.151del, p.Met51fs (NM_001256678.2, NM_001414503.1); c.-131+486del (NM_001256680.2); c.-83+486del (NM_001256681.2); c.-26-109del (NM_001256679.2); short protein forms M51fs.
Identifiers: ClinVar variation 5010051 (VCV005010051.1).